The following is an entry in ClinVar:

ClinVar aggregate classification (germline): Pathogenic (1 of 4 stars; one submission).

Conditions:
Neurofibromatosis, type 1 (NF1). Also called: VON RECKLINGHAUSEN DISEASE; NEUROFIBROMATOSIS, TYPE I, SOMATIC; Neurofibromatosis, type I; Peripheral type neurofibromatosis. Identifiers: Orphanet 636, MedGen C0027831, MONDO:0018975, OMIM 162200. Disease mechanism: loss of function.

Submission:

Labcorp Genetics (formerly Invitae), Labcorp
Classification: Pathogenic for Neurofibromatosis, type 1. Last evaluated: 2022-09-18. Review status: criteria provided, single submitter. Criteria: Invitae Variant Classification Sherloc (09022015). Collection method: clinical testing. Allele origin: germline.
Comment: For these reasons, this variant has been classified as Pathogenic. This variant has not been reported in the literature in individuals affected with NF1-related conditions. This variant is not present in population databases (gnomAD no frequency). This sequence change creates a premature translational stop signal (p.Asn1721Glnfs*15) in the NF1 gene. It is expected to result in an absent or disrupted protein product. Loss-of-function variants in NF1 are known to be pathogenic (PMID: 10712197, 23913538).

Literature cited by the submitters: PubMed 10712197; PubMed 23913538.

NM_001042492.3(NF1):c.5223dup (p.Asn1742fs)

Gene: NF1 (neurofibromin 1; plus strand). Cytogenetic location: 17q11.2.
Variant type: Duplication.
Coding change: c.5223dup on transcript NM_001042492.3 (MANE Select); coding-DNA position 5223, one base duplicated (C; older notation c.5223dupC).
Protein change: p.Asn1742fs; shifts the reading frame from asparagine 1742.
Molecular consequence: frameshift variant.
Genome position (GRCh38, 1-based): chr17:31,326,207, C duplicated. VCF-style (leftmost placement, unchanged base first): chr17-31326206-A-AC. GRCh37 (hg19) VCF-style: chr17-29653224-A-AC.
Other names: c.5160dup, p.Asn1721Glnfs (NM_000267.4); short protein forms N1742fs, N1721fs.
Identifiers: ClinVar variation 2031056 (VCV002031056.4), dbSNP rs2508698345, ClinGen allele CA2580093051.
Genomic context (GRCh38, chr17:31,326,206, plus strand): 5'-ATGAACAACAGAAACTACCTGCTGCCACCTTGGCTTTAGAAGAGGACCTGAAGGTATTCC[A>AC]CAATGCTCTCAAGCTAGCTCACAAAGACACCAAAGTTTCTATTAAAGTAAGTTCCAGTCT-3'